The following is an entry in ClinVar:

ClinVar aggregate classification (germline): Uncertain significance (1 of 4 stars; one submission).

Allele frequency attached by ClinVar (database versions not stated): gnomAD exomes below 0.00001; TOPMed below 0.00001.
gnomAD v4.1: 1 of 1,613,806 alleles (0.000062%); highest among the groups gnomAD compares: Non-Finnish European, 0.000085%; no homozygotes.

Submission:

Labcorp Genetics (formerly Invitae), Labcorp
Classification: Uncertain significance. Last evaluated: 2022-12-09. Review status: criteria provided, single submitter. Criteria: Invitae Variant Classification Sherloc (09022015). Collection method: clinical testing. Allele origin: germline.
Comment: This sequence change replaces isoleucine, which is neutral and non-polar, with valine, which is neutral and non-polar, at codon 820 of the KIAA0753 protein (p.Ile820Val). In summary, the available evidence is currently insufficient to determine the role of this variant in disease. Therefore, it has been classified as a Variant of Uncertain Significance. Algorithms developed to predict the effect of missense changes on protein structure and function output the following: SIFT: "Tolerated"; PolyPhen-2: "Benign"; Align-GVGD: "Class C0". The valine amino acid residue is found in multiple mammalian species, which suggests that this missense change does not adversely affect protein function. This variant has not been reported in the literature in individuals affected with KIAA0753-related conditions. This variant is not present in population databases (gnomAD no frequency).

NM_014804.3(KIAA0753):c.2458A>G (p.Ile820Val)

Gene: KIAA0753 (KIAA0753; minus strand). Cytogenetic location: 17p13.1.
Variant type: single nucleotide variant.
Coding change: c.2458A>G on transcript NM_014804.3 (MANE Select); coding-DNA position 2458, A replaced by G.
Protein change: p.Ile820Val; replaces isoleucine 820 with valine.
Molecular consequence: missense variant. On other transcripts: non-coding transcript variant (3).
Genome position (GRCh38, 1-based): chr17:6,590,613, T>C on the plus strand (A>G on the coding strand, the complement: KIAA0753 is on the minus strand). VCF-style: chr17-6590613-T-C. GRCh37 (hg19) VCF-style: chr17-6493933-T-C.
Other names: c.1561A>G, p.Ile521Val (NM_001351225.2); short protein forms I820V, I521V.
Identifiers: ClinVar variation 1919805 (VCV001919805.3), dbSNP rs1008499971, ClinGen allele CA287343724.